The following is an entry in ClinVar:

NM_000038.6(APC):c.423-6A>G

Gene: APC (APC regulator of Wnt signaling pathway; plus strand). Cytogenetic location: 5q22.2.
Variant type: single nucleotide variant.
Coding change: c.423-6A>G on transcript NM_000038.6 (MANE Select); 6 bases into the intron before coding-DNA position 423, A replaced by G.
Molecular consequence: intron variant.
Genome position (GRCh38, 1-based): chr5:112,775,623, A>G. VCF-style: chr5-112775623-A-G. GRCh37 (hg19) VCF-style: chr5-112111320-A-G.
Other names: c.423-6A>G (NM_001354895.2, NM_001127510.3, NM_001354896.2 and 2 more transcripts); c.453-6A>G (NM_001354897.2, NM_001354902.2, NM_001127511.3); c.348-6A>G (NM_001354898.2, NM_001354904.2); c.-613-6A>G (NM_001354906.2); c.246-6A>G (NM_001354900.2, NM_001354901.2, NM_001354905.2).
Identifiers: ClinVar variation 1057657 (VCV001057657.11), dbSNP rs2149614228, ClinGen allele CA2499217421.

ClinVar aggregate classification (germline): Uncertain significance (1 of 4 stars; one submission).
ClinVar aggregate classification (oncogenicity): Likely oncogenic (1 of 4 stars; one submission).

Conditions:
Familial adenomatous polyposis 1 (FAP1). Also called: FAMILIAL ADENOMATOUS POLYPOSIS 1, ATTENUATED; POLYPOSIS, ADENOMATOUS INTESTINAL. Identifiers: MedGen C2713442, MONDO:0021056, OMIM 175100. Disease mechanism: loss of function.
Neoplasm. Also called: Neoplasms; Neoplasm (disease); tumor. Identifiers: MedGen C0027651, MeSH D009369, MONDO:0005070, HP:0002664.

Submissions (2):

Labcorp Genetics (formerly Invitae), Labcorp
Classification: Uncertain significance for Familial adenomatous polyposis 1. Last evaluated: 2025-03-31. Review status: criteria provided, single submitter. Criteria: Invitae Variant Classification Sherloc (09022015). Collection method: clinical testing. Allele origin: germline.
Comment: This sequence change falls in intron 4 of the APC gene. It does not directly change the encoded amino acid sequence of the APC protein. This variant is not present in population databases (gnomAD no frequency). This variant has not been reported in the literature in individuals affected with APC-related conditions. ClinVar contains an entry for this variant (Variation ID: 1057657). Algorithms developed to predict the effect of sequence changes on RNA splicing suggest that this variant may disrupt the consensus splice site. In summary, the available evidence is currently insufficient to determine the role of this variant in disease. Therefore, it has been classified as a Variant of Uncertain Significance.

Center for Genomic Medicine, Rigshospitalet, Copenhagen University Hospital
Classification: Likely oncogenic for Neoplasm. Last evaluated: 2025-03-04. Review status: criteria provided, single submitter. Criteria: ClinGen/CGC/VICC Guidelines for Oncogenicity, 2022. Collection method: clinical testing. Allele origin: somatic. Affected: yes.